The following is an entry in ClinVar:

NM_001382391.1(CSPP1):c.3452A>G (p.Asn1151Ser)

Genes: ARFGEF1 (ARF guanine nucleotide exchange factor 1; minus strand), CSPP1 (centrosome and spindle pole associated protein 1; plus strand). Cytogenetic location: 8q13.2.
Variant type: single nucleotide variant.
Coding change: c.3452A>G on transcript NM_001382391.1 (MANE Select); coding-DNA position 3452, A replaced by G.
Protein change: p.Asn1151Ser; replaces asparagine 1151 with serine.
Molecular consequence: missense variant. On other transcripts: intron variant (3).
Genome position (GRCh38, 1-based): chr8:67,193,585, A>G. VCF-style: chr8-67193585-A-G. GRCh37 (hg19) VCF-style: chr8-68105820-A-G.
Other names: c.2402A>G, p.Asn801Ser (NM_001291339.2); c.3371A>G, p.Asn1124Ser (NM_001363131.2); c.3257A>G, p.Asn1086Ser (NM_001363132.2); c.3176A>G, p.Asn1059Ser (NM_001363133.2); c.3518A>G, p.Asn1173Ser (NM_001364869.1); c.3338A>G, p.Asn1113Ser (NM_001364870.1); c.3284A>G, p.Asn1095Ser (NM_001438330.1); c.2753A>G, p.Asn918Ser (NM_001438332.1); and 4 more; short protein forms N1173S, N1059S, N1086S, N1124S, N1146S, N801S, N1113S, N1151S.
Identifiers: ClinVar variation 854854 (VCV000854854.8), dbSNP rs569956227, ClinGen allele CA4771176.

ClinVar aggregate classification (germline): Uncertain significance. Review status: criteria provided, multiple submitters, no conflicts (2 of 4 stars). 2 submissions from 2 submitters: Uncertain significance (2). Last evaluated 2023-04-05.

Conditions:
Inborn genetic diseases. Identifiers: MedGen C0950123, MeSH D030342.
Joubert syndrome 21 (JBTS21). Identifiers: MedGen C3810212, MONDO:0014288, OMIM 615636.

Allele frequency attached by ClinVar (database versions not stated): gnomAD below 0.00001 and 0.00001; TOPMed 0.00001; ExAC 0.00008; gnomAD exomes 0.00007 and 0.00004.
gnomAD v4.1: 69 of 1,613,570 alleles (0.0043%); highest among the groups gnomAD compares: South Asian, 0.067%; 1 homozygote.

Submissions (2):

Ambry Genetics
Classification: Uncertain significance for Inborn genetic diseases. Last evaluated: 2023-04-05. Review status: criteria provided, single submitter. Criteria: Ambry Variant Classification Scheme 2023. Collection method: clinical testing. Allele origin: germline.

Labcorp Genetics (formerly Invitae), Labcorp
Classification: Uncertain significance for Joubert syndrome 21. Last evaluated: 2022-07-10. Review status: criteria provided, single submitter. Criteria: Invitae Variant Classification Sherloc (09022015). Collection method: clinical testing. Allele origin: germline.
Comment: This sequence change replaces asparagine, which is neutral and polar, with serine, which is neutral and polar, at codon 1146 of the CSPP1 protein (p.Asn1146Ser). This variant is present in population databases (rs569956227, gnomAD 0.06%). This variant has not been reported in the literature in individuals affected with CSPP1-related conditions. ClinVar contains an entry for this variant (Variation ID: 854854). Algorithms developed to predict the effect of missense changes on protein structure and function output the following: SIFT: "Tolerated"; PolyPhen-2: "Benign"; Align-GVGD: "Class C0". The serine amino acid residue is found in multiple mammalian species, which suggests that this missense change does not adversely affect protein function. Algorithms developed to predict the effect of sequence changes on RNA splicing suggest that this variant may create or strengthen a splice site. In summary, the available evidence is currently insufficient to determine the role of this variant in disease. Therefore, it has been classified as a Variant of Uncertain Significance.